The following is an entry in ClinVar:

ClinVar aggregate classification (germline): Conflicting classifications of pathogenicity. Review status: criteria provided, conflicting classifications (1 of 4 stars). 4 submissions from 4 submitters: Uncertain significance (3); Likely benign (1). Last evaluated 2025-08-19.

Conditions:
Hereditary cancer-predisposing syndrome. Also called: Tumor predisposition; Hereditary Cancer Syndrome; Neoplastic Syndromes, Hereditary; Hereditary neoplastic syndrome. Identifiers: Orphanet 140162, MedGen C0027672, MeSH D009386, MONDO:0015356.
Hereditary breast ovarian cancer syndrome. Also called: BRCA1- and BRCA2-Associated Hereditary Breast and Ovarian Cancer; Hereditary breast and ovarian cancer syndrome; Hereditary breast and ovarian cancer; Hereditary breast and ovarian cancer syndrome (HBOC); Hereditary breast and/or ovarian cancer syndrome; Breast and ovarian cancer. Identifiers: Orphanet 145, MedGen C0677776, MeSH D061325, MONDO:0003582. Disease mechanism: loss of function.

Submissions (4):

Ambry Genetics
Classification: Uncertain significance for Hereditary cancer-predisposing syndrome. Last evaluated: 2025-08-19. Review status: criteria provided, single submitter. Criteria: Ambry Variant Classification Scheme 2023. Collection method: clinical testing. Allele origin: germline.
Comment: The p.A1564S variant (also known as c.4690G>T), located in coding exon 10 of the BRCA2 gene, results from a G to T substitution at nucleotide position 4690. The alanine at codon 1564 is replaced by serine, an amino acid with similar properties. This amino acid position is conserved. In addition, this alteration is predicted to be tolerated by in silico analysis. Based on the available evidence, the clinical significance of this variant remains unclear.

Color Diagnostics, LLC DBA Color Health
Classification: Uncertain significance for Hereditary cancer-predisposing syndrome. Last evaluated: 2023-12-05. Review status: criteria provided, single submitter. Criteria: ACMG Guidelines, 2015. Collection method: clinical testing. Allele origin: germline.
Comment: This missense variant replaces alanine with serine at codon 1564 of the BRCA2 protein. Computational prediction suggests that this variant may not impact protein structure and function (internally defined REVEL score threshold <= 0.5, PMID: 27666373). To our knowledge, functional studies have not been reported for this variant. This variant has not been reported in individuals affected with BRCA2-related disorders in the literature. This variant has not been identified in the general population by the Genome Aggregation Database (gnomAD). The available evidence is insufficient to determine the role of this variant in disease conclusively. Therefore, this variant is classified as a Variant of Uncertain Significance.

Labcorp Genetics (formerly Invitae), Labcorp
Classification: Uncertain significance for Hereditary breast ovarian cancer syndrome. Last evaluated: 2023-11-02. Review status: criteria provided, single submitter. Criteria: Invitae Variant Classification Sherloc (09022015). Collection method: clinical testing. Allele origin: germline.
Comment: This sequence change replaces alanine, which is neutral and non-polar, with serine, which is neutral and polar, at codon 1564 of the BRCA2 protein (p.Ala1564Ser). This variant is not present in population databases (gnomAD no frequency). This variant has not been reported in the literature in individuals affected with BRCA2-related conditions. ClinVar contains an entry for this variant (Variation ID: 627817). Advanced modeling of protein sequence and biophysical properties (such as structural, functional, and spatial information, amino acid conservation, physicochemical variation, residue mobility, and thermodynamic stability) performed at Invitae indicates that this missense variant is not expected to disrupt BRCA2 protein function with a negative predictive value of 95%. In summary, the available evidence is currently insufficient to determine the role of this variant in disease. Therefore, it has been classified as a Variant of Uncertain Significance.

University of Washington Department of Laboratory Medicine, University of Washington
Classification: Likely benign for Hereditary cancer-predisposing syndrome. Last evaluated: 2023-03-23. Review status: criteria provided, single submitter. Criteria: Dines et al. (Genet Med. 2020). Collection method: curation. Allele origin: germline.
Comment: Missense variant in a coldspot region where missense variants are very unlikely to be pathogenic (PMID:31911673).

BRCA2 exon 11 coldspot. Reclassification based on statistical prior probability.

NM_000059.4(BRCA2):c.4690G>T (p.Ala1564Ser)

Gene: BRCA2 (BRCA2 DNA repair associated; plus strand). Cytogenetic location: 13q13.1.
Variant type: single nucleotide variant.
Coding change: c.4690G>T on transcript NM_000059.4 (MANE Select); coding-DNA position 4690, G replaced by T.
Protein change: p.Ala1564Ser; replaces alanine 1564 with serine.
Molecular consequence: missense variant.
Genome position (GRCh38, 1-based): chr13:32,339,045, G>T. VCF-style: chr13-32339045-G-T. GRCh37 (hg19) VCF-style: chr13-32913182-G-T.
Other names: short protein forms A1564S.
Identifiers: ClinVar variation 627817 (VCV000627817.15), dbSNP rs1566230953, ClinGen allele CA387782859.
Genomic context (GRCh38, chr13:32,339,045, plus strand): 5'-AACCTTTTTGATGAAAAAGAGCAAGGTACTAGTGAAATCACCAGTTTTAGCCATCAATGG[G>T]CAAAGACCCTAAAGTACAGAGAGGCCTGTAAAGACCTTGAATTAGCATGTGAGACCATTG-3'
Protein context (NP_000050.3, residues 1554-1574): SEITSFSHQW[Ala1564Ser]KTLKYREACK